The following is an entry in ClinVar:

ClinVar aggregate classification (germline): Uncertain significance. Review status: reviewed by expert panel (3 of 4 stars). 12 submissions from 12 submitters: Uncertain significance (1). 11 of the submissions do not count toward it. Last evaluated 2023-08-21.

Conditions:
CDH1-related diffuse gastric and lobular breast cancer syndrome. Also called: CDH1-related diffuse gastric and lobular breast cancer. Identifiers: MedGen CN311521, MONDO:0100488.
CDH1-related disorder. Also called: CDH1-related condition.
Hereditary cancer-predisposing syndrome. Also called: Tumor predisposition; Neoplastic Syndromes, Hereditary; Hereditary neoplastic syndrome; Hereditary Cancer Syndrome. Identifiers: Orphanet 140162, MedGen C0027672, MeSH D009386, MONDO:0015356.
Hereditary diffuse gastric adenocarcinoma (HDGC). Also called: DIFFUSE GASTRIC AND LOBULAR BREAST CANCER SYNDROME. Identifiers: Orphanet 26106, MedGen C1708349, MONDO:0007648, OMIM 137215.
Familial cancer of breast. Also called: BREAST CANCER, FAMILIAL; Hereditary breast cancer; hereditary breast carcinoma. Identifiers: Orphanet 227535, MedGen C0346153, MONDO:0016419, OMIM 114480. Disease mechanism: loss of function.

Allele frequency attached by ClinVar (database versions not stated): ExAC 0.00001; gnomAD 0.00001; gnomAD exomes 0.00001 and 0.00002; TOPMed 0.00001.
gnomAD v4.1: 11 of 1,612,502 alleles (0.00068%); highest among the groups gnomAD compares: Admixed American, 0.0083%; no homozygotes.

Submissions 1 to 9 of 12:

Clingen Gastric Cancer Variant Curation Expert Panel
Classification: Uncertain significance for CDH1-related diffuse gastric and lobular breast cancer syndrome. Last evaluated: 2023-08-21. Review status: reviewed by expert panel. Criteria: ClinGen CDH1 ACMG Specifications V3.1. Collection method: curation. Allele origin: germline. Inheritance: Autosomal dominant inheritance.
Comment: The c.387+1G>A variant is a canonical splice variant predicted to result in small in-frame amino acid deletions/insertions (PVS1_Moderate). This variant has an allele frequency of 0.00002 in gnomAD (4/245268) and is present with a frequency of 0.00012 (4/33552) in the Latino subpopulation. RT-PCR analysis demonstrated that this variant results in two additional in-frame transcripts, including a longer transcript with intronic retention of 57 bp and a shorter transcript with a 159 bp deletion (PS3_Supporting; (16)30178-7/pdf [G20]). This variant has also been reported in at least three individuals not meeting HDGC clinical criteria (BS2_Supporting;, (16)30178-7/pdf [G20], PMID: 26845104). In summary, this variant is classified as a variant of uncertain significance based on conflicting ACMG/AMP criteria applied as specified by the CDH1 Variant Curation Expert Panel (Variant Interpretation Guidelines Version 3.1): PVS1_Moderate, PS3_Supporting, BS2_Supporting.

PreventionGenetics, part of Exact Sciences
Classification: Uncertain significance for CDH1-related condition. Last evaluated: 2025-11-14. Review status: criteria provided, single submitter. Criteria: ACMG Guidelines, 2015. Collection method: clinical testing. Allele origin: germline. Not counted in ClinVar's aggregate classification.
Comment: The CDH1 c.387+1G>A variant is predicted to disrupt the GT donor site and interfere with normal splicing. This variant has been reported in an individual with breast cancer (Garcia-Pelaez et al. 2022. PubMed ID: 36436516). It has also been seen in families that do not have CDH1-related disease (Karam et al. 2019. PubMed ID: 31642931). This variant is reported in 0.012% of alleles in individuals of Latino descent in gnomAD and is interpreted in ClinVar as uncertain by a curation expert panel (Variation ID: 141661). RNA analysis of this variant suggests it results in multiple alternately spliced in-frame transcripts with uncertain functional impacts (Karam et al. 2019. PubMed ID: 31642931). At this time, the clinical significance of this variant is uncertain due to the absence of conclusive functional and genetic evidence.

Labcorp Genetics (formerly Invitae), Labcorp
Classification: Uncertain significance for Hereditary diffuse gastric adenocarcinoma. Last evaluated: 2025-09-22. Review status: criteria provided, single submitter. Criteria: Invitae Variant Classification Sherloc (09022015). Collection method: clinical testing. Allele origin: germline. Not counted in ClinVar's aggregate classification.
Comment: This sequence change affects a donor splice site in intron 3 of the CDH1 gene. It is expected to disrupt RNA splicing. Variants that disrupt the donor or acceptor splice site typically lead to a loss of protein function (PMID: 16199547), and loss-of-function variants in CDH1 are known to be pathogenic (PMID: 15235021, 20373070). This variant is present in population databases (rs587781919, gnomAD 0.01%). Disruption of this splice site has been observed in individual(s) with breast cancer (PMID: 26845104, 36436516). ClinVar contains an entry for this variant (Variation ID: 141661). Studies have shown that disruption of this splice site is associated with inconclusive levels of altered splicing (PMID: 31642931; Poster G20 in an online resource(16)30178-7/pdf, internal data). In summary, the available evidence is currently insufficient to determine the role of this variant in disease. Therefore, it has been classified as a Variant of Uncertain Significance.

Ambry Genetics
Classification: Uncertain significance for Hereditary cancer-predisposing syndrome. Last evaluated: 2025-05-19. Review status: criteria provided, single submitter. Criteria: Ambry Variant Classification Scheme 2023. Collection method: clinical testing. Allele origin: germline. Not counted in ClinVar's aggregate classification.
Comment: The c.387+1G>A intronic variant results from a G to A substitution one nucleotide after coding exon 3 of the CDH1 gene. In addition to the clinical data presented in the literature, this variant has been detected in multiple individuals with no reported features of CDH1-related diffuse gastric and lobular breast cancer (Ambry internal data). This nucleotide position is highly conserved in available vertebrate species. In silico splice site analysis predicts that this alteration will weaken the native splice donor site. RNA studies have demonstrated that this alteration results in multiple in-frame splicing events of unknown functional significance (Ambry internal data). Based on the available evidence, the clinical significance of this variant remains unclear.

Color Diagnostics, LLC DBA Color Health
Classification: Uncertain significance for Hereditary cancer-predisposing syndrome. Last evaluated: 2025-02-18. Review status: criteria provided, single submitter. Criteria: ACMG Guidelines, 2015. Collection method: clinical testing. Allele origin: germline. Not counted in ClinVar's aggregate classification.
Comment: This variant causes a G>A nucleotide substitution at the +1 position of intron 3 of the CDH1 gene. Splice site prediction tools suggest that this variant may have a significant impact on RNA splicing. However, this variant has been reported to result in transcripts that are predicted to cause in-frame protein change in the prodomain of the CDH1 protein (PMID: 31642931; poster G20 in an online resource(16)30178-7/pdf). This variant has been reported in an individual affected with breast cancer (PMID: 26845104) and in healthy individuals (PMID: 31642931). This variant has been identified in 4/250346 chromosomes in the general population by the Genome Aggregation Database (gnomAD). The available evidence is insufficient to determine the role of this variant in disease conclusively. Therefore, this variant is classified as a Variant of Uncertain Significance.

Quest Diagnostics Nichols Institute San Juan Capistrano
Classification: Uncertain significance. Last evaluated: 2024-10-24. Review status: criteria provided, single submitter. Criteria: Quest Diagnostics criteria. Collection method: clinical testing. Allele origin: unknown. Not counted in ClinVar's aggregate classification.
Comment: The CDH1 c.387+1G>A variant disrupts a canonical splice-donor site and is predicted to interfere with normal CDH1 mRNA splicing. This variant has been reported in the published literature in individuals with breast cancer (PMID: 36436516 (2023), 26845104 (2016)). Functional studies show this variant results in the removal of a section of the protein, however the effect on protein function is unknown (PMID: 31642931 (2019)). The frequency of this variant in the general population, 0.00012 (4/34560 chromosomes in Admixed American subpopulation (Genome Aggregation Database)), is higher than would generally be expected for pathogenic variants in this gene. Based on the available information, we are unable to determine the clinical significance of this variant.

Baylor Genetics
Classification: Uncertain significance for Familial cancer of breast. Last evaluated: 2024-01-30. Review status: criteria provided, single submitter. Criteria: ACMG Guidelines, 2015. Collection method: clinical testing. Allele origin: unknown. Not counted in ClinVar's aggregate classification.

GeneDx
Classification: Uncertain significance. Last evaluated: 2023-12-01. Review status: criteria provided, single submitter. Criteria: GeneDx Variant Classification Process June 2021. Collection method: clinical testing. Allele origin: germline. Affected: yes. Not counted in ClinVar's aggregate classification.
Comment: In silico analysis supports a deleterious effect on splicing; Not observed at significant frequency in large population cohorts (gnomAD); This variant is associated with the following publications: (PMID: 31246251, 30311375, 28152038, 27880784, 36436516, 26845104, 29922827, 31642931, 35510381)

European Reference Network on Genetic Tumour Risk Syndromes (ERN-GENTURIS), i3s - Instituto de Investigação e Inovação em Saúde, University of Porto
Classification: Uncertain significance for Hereditary diffuse gastric adenocarcinoma. Last evaluated: 2022-08-01. Review status: criteria provided, single submitter. Criteria: Lee et al. (Hum Mutat. 2018). Collection method: clinical testing. Allele origin: germline. Inheritance: Autosomal dominant inheritance. Affected: no. Study: ERN GENTURIS. Not counted in ClinVar's aggregate classification.
Comment: PVS1_Moderate, PS3_Supporting, BS2_Supporting (PMID: 30311375)

NM_004360.5(CDH1):c.387+1G>A

Gene: CDH1 (cadherin 1; plus strand). Cytogenetic location: 16q22.1.
Variant type: single nucleotide variant.
Coding change: c.387+1G>A on transcript NM_004360.5 (MANE Select); the canonical splice donor site of the intron after coding-DNA position 387, G replaced by A.
Molecular consequence: splice donor variant.
Genome position (GRCh38, 1-based): chr16:68,801,894, G>A. VCF-style: chr16-68801894-G-A. GRCh37 (hg19) VCF-style: chr16-68835797-G-A.
Other names: c.-1229+1G>A (NM_001317185.2); c.-1433+1G>A (NM_001317186.2); c.387+1G>A (NM_001317184.2).
Identifiers: ClinVar variation 141661 (VCV000141661.35), dbSNP rs587781919, ClinGen allele CA166072.